The following is an entry in ClinVar:

ClinVar aggregate classification (germline): Uncertain significance (1 of 4 stars; one submission).

Conditions:
DOCK2 deficiency. Also called: Immunodeficiency 40. Identifiers: Orphanet 447737, MedGen C4225328, MONDO:0014637, OMIM 616433.

Allele frequency attached by ClinVar (database versions not stated): gnomAD exomes below 0.00001.
gnomAD v4.1: 1 of 1,614,162 alleles (0.000062%); highest among the groups gnomAD compares: East Asian, 0.0022%; no homozygotes.

Submission:

Labcorp Genetics (formerly Invitae), Labcorp
Classification: Uncertain significance for DOCK2 deficiency. Last evaluated: 2021-10-09. Review status: criteria provided, single submitter. Criteria: Invitae Variant Classification Sherloc (09022015). Collection method: clinical testing. Allele origin: germline.
Comment: This sequence change replaces lysine with arginine at codon 1795 of the DOCK2 protein (p.Lys1795Arg). The lysine residue is weakly conserved and there is a small physicochemical difference between lysine and arginine. This variant is not present in population databases (ExAC no frequency). This variant has not been reported in the literature in individuals affected with DOCK2-related conditions. Algorithms developed to predict the effect of missense changes on protein structure and function (SIFT, PolyPhen-2, Align-GVGD) all suggest that this variant is likely to be tolerated. In summary, the available evidence is currently insufficient to determine the role of this variant in disease. Therefore, it has been classified as a Variant of Uncertain Significance.

NM_004946.3(DOCK2):c.5384A>G (p.Lys1795Arg)

Gene: DOCK2 (dedicator of cytokinesis 2; plus strand). Cytogenetic location: 5q35.1.
Variant type: single nucleotide variant.
Coding change: c.5384A>G on transcript NM_004946.3 (MANE Select); coding-DNA position 5384, A replaced by G.
Protein change: p.Lys1795Arg; replaces lysine 1795 with arginine.
Molecular consequence: missense variant. On other transcripts: non-coding transcript variant (1).
Genome position (GRCh38, 1-based): chr5:170,081,938, A>G. VCF-style: chr5-170081938-A-G. GRCh37 (hg19) VCF-style: chr5-169508942-A-G.
Other names: short protein forms K1795R.
Identifiers: ClinVar variation 1448118 (VCV001448118.1), dbSNP rs2113881277, ClinGen allele CA362119316.